The following is an entry in ClinVar:

ClinVar aggregate classification (germline): Uncertain significance (1 of 4 stars; one submission).

Conditions:
Alstrom syndrome (ALMS). Identifiers: Orphanet 64, MedGen C0268425, MONDO:0008763, OMIM 203800.

gnomAD v4.1: 2 of 1,612,872 alleles (0.00012%); highest among the groups gnomAD compares: African/African-American, 0.0027%; no homozygotes.

Submission:

Labcorp Genetics (formerly Invitae), Labcorp
Classification: Uncertain significance for Alstrom syndrome. Last evaluated: 2024-02-03. Review status: criteria provided, single submitter. Criteria: Invitae Variant Classification Sherloc (09022015). Collection method: clinical testing. Allele origin: germline.
Comment: This sequence change replaces aspartic acid, which is acidic and polar, with glutamic acid, which is acidic and polar, at codon 1776 of the ALMS1 protein (p.Asp1776Glu). This variant is present in population databases (rs757500170, gnomAD 0.007%). This variant has not been reported in the literature in individuals affected with ALMS1-related conditions. Experimental studies and prediction algorithms are not available or were not evaluated, and the functional significance of this variant is currently unknown. In summary, the available evidence is currently insufficient to determine the role of this variant in disease. Therefore, it has been classified as a Variant of Uncertain Significance.

NM_001378454.1(ALMS1):c.5325T>A (p.Asp1775Glu)

Gene: ALMS1 (ALMS1 centrosome and basal body associated protein; plus strand). Cytogenetic location: 2p13.1.
Variant type: single nucleotide variant.
Coding change: c.5325T>A on transcript NM_001378454.1 (MANE Select); coding-DNA position 5325, T replaced by A.
Protein change: p.Asp1775Glu; replaces aspartic acid 1775 with glutamic acid.
Molecular consequence: missense variant.
Genome position (GRCh38, 1-based): chr2:73,451,852, T>A. VCF-style: chr2-73451852-T-A. GRCh37 (hg19) VCF-style: chr2-73678979-T-A.
Other names: c.5328T>A, p.Asp1776Glu (NM_015120.4); short protein forms D1776E, D1775E.
Identifiers: ClinVar variation 3685237 (VCV003685237.2).
Genomic context (GRCh38, chr2:73,451,852, plus strand): 5'-TTCCTCTTTCTATTCACATACAGAGAAGCCTAATATTTCTTACCAGCAAGAGTTGCCAGA[T>A]AGTCATCTAACTGAAGAGGCTCTGAAAGTTTCAAATGTTCCTGGACCAGCTGACCAGAAG-3'
Protein context (NP_001365383.1, residues 1765-1785): PNISYQQELP[Asp1775Glu]SHLTEEALKV